The following is an entry in ClinVar:

NM_001165963.4(SCN1A):c.4016C>A (p.Ala1339Asp)

Genes: SCN1A (sodium voltage-gated channel alpha subunit 1; minus strand), LOC102724058 (uncharacterized LOC102724058; plus strand). Cytogenetic location: 2q24.3.
Variant type: single nucleotide variant.
Coding change: c.4016C>A on transcript NM_001165963.4 (MANE Select); coding-DNA position 4016, C replaced by A.
Protein change: p.Ala1339Asp; replaces alanine 1339 with aspartic acid.
Molecular consequence: missense variant. On other transcripts: non-coding transcript variant (1).
Genome position (GRCh38, 1-based): chr2:166,002,740, G>T on the plus strand (C>A on the coding strand, the complement: SCN1A is on the minus strand). VCF-style: chr2-166002740-G-T. GRCh37 (hg19) VCF-style: chr2-166859250-G-T.
Other names: p.A1339D:GCC>GAC; c.3932C>A, p.Ala1311Asp (NM_001165964.3, NM_001353957.2, NM_001353958.2); c.4016C>A, p.Ala1339Asp (NM_001202435.3, NM_001353948.2); c.3983C>A, p.Ala1328Asp (NM_001353949.2, NM_001353950.2, NM_001353951.2 and 2 more transcripts); c.3980C>A, p.Ala1327Asp (NM_001353954.2, NM_001353955.2); c.3929C>A, p.Ala1310Asp (NM_001353960.2); c.1574C>A, p.Ala525Asp (NM_001353961.2); short protein forms A1328D, A1339D, A1327D, A1310D, A1311D, A525D.
Identifiers: ClinVar variation 206818 (VCV000206818.12), dbSNP rs794726789, ClinGen allele CA317429.

ClinVar aggregate classification (germline): Pathogenic. Review status: criteria provided, multiple submitters, no conflicts (2 of 4 stars). 2 submissions from 2 submitters: Pathogenic (2). Last evaluated 2019-06-13.

Conditions:
Early-infantile DEE. Also called: Ohtahara syndrome; Early infantile epileptic encephalopathy; Early infantile epileptic encephalopathy with suppression bursts. Identifiers: Orphanet 1934, MedGen C0393706, MONDO:0800491.

Submissions (2):

Labcorp Genetics (formerly Invitae), Labcorp
Classification: Pathogenic for Early-infantile DEE. Last evaluated: 2019-06-13. Review status: criteria provided, single submitter. Criteria: Invitae Variant Classification Sherloc (09022015). Collection method: clinical testing. Allele origin: germline.
Comment: This sequence change replaces alanine with aspartic acid at codon 1339 of the SCN1A protein (p.Ala1339Asp). The alanine residue is highly conserved and there is a moderate physicochemical difference between alanine and aspartic acid. This variant is not present in population databases (ExAC no frequency). This variant has been reported in an individual affected with epilepsy and neurodevelopmental disorders and has also been observed to be de novo in an individual affected with clinical features of early infantile epileptic encephalopathy (PMID: 29655203, Invitae). ClinVar contains an entry for this variant (Variation ID: 206818). Algorithms developed to predict the effect of missense changes on protein structure and function (SIFT, PolyPhen-2, Align-GVGD) all suggest that this variant is likely to be disruptive, but these predictions have not been confirmed by published functional studies and their clinical significance is uncertain. This variant disrupts the p.Ala1339 amino acid residue in SCN1A. Other variant(s) that disrupt this residue have been observed in individuals with SCN1A-related conditions (PMID: 22092154, 23195492), which suggests that this may be a clinically significant amino acid residue. For these reasons, this variant has been classified as Pathogenic.

GeneDx
Classification: Pathogenic. Last evaluated: 2013-07-30. Review status: criteria provided, single submitter. Criteria: GeneDx Variant Classification (06012015). Collection method: clinical testing. Allele origin: germline. Affected: yes.
Comment: p.Ala1339Asp (GCC>GAC): c.4016 C>A in exon 21 of the SCN1A gene (NM_001165963.1) The Ala1339Asp missense change has not been published as a mutation, nor has it been reported as a benign polymorphism to our knowledge. It was not observed in approximately 6,500 individuals of European and African American ancestry in the NHLBI Exome Sequencing Project, indicating it is not a common benign variant in these populations. The amino acid substitution is non-conservative, as an uncharged, non-polar Alanine residue is replaced by a negatively charged Aspartic acid residue. It alters a highly conserved position in the intracellular loop between the S4 and S5 segments of the third transmembrane domain of the protein, and multiple in silico algorithms predict it is damaging to protein structure/function. Additionally, a different amino acid substitution at the same position (Ala1339Val) was previously reported as a de novo mutation in association with severe myoclonic epilepsy of infancy (Wang et al., 2012). The variant is found in INFANT-EPI panel(s).

Literature cited by the submitters: PubMed 29655203 (cited by Labcorp Genetics (formerly Invitae), Labcorp); PubMed 22092154 (cited by Labcorp Genetics (formerly Invitae), Labcorp); PubMed 23195492 (cited by Labcorp Genetics (formerly Invitae), Labcorp).